The following is an entry in ClinVar:

ClinVar aggregate classification (germline): Likely benign (1 of 4 stars; one submission).

gnomAD v4.1: 12 of 1,613,930 alleles (0.00074%); highest among the groups gnomAD compares: African/African-American, 0.011%; no homozygotes.

Submission:

CeGaT Center for Human Genetics Tuebingen
Classification: Likely benign. Last evaluated: 2026-06-01. Review status: criteria provided, single submitter. Criteria: CeGaT Center For Human Genetics Tuebingen Variant Classification Criteria Version 2. Collection method: clinical testing. Allele origin: germline. Affected: yes. Observed: 1 variant allele.
Comment: RIC8A: BP4, BP7

NM_001286134.2(RIC8A):c.732C>T (p.Asp244=)

Gene: RIC8A (RIC8 guanine nucleotide exchange factor A; plus strand). Cytogenetic location: 11p15.5.
Variant type: single nucleotide variant.
Coding change: c.732C>T on transcript NM_001286134.2 (MANE Select); coding-DNA position 732, C replaced by T.
Protein change: p.Asp244=; no amino-acid change (aspartic acid 244 retained).
Molecular consequence: synonymous variant.
Genome position (GRCh38, 1-based): chr11:210,576, C>T. VCF-style: chr11-210576-C-T. GRCh37 (hg19) VCF-style: chr11-210576-C-T.
Other names: c.744C>T, p.Asp248= (NM_001386941.1); c.402C>T, p.Asp134= (NM_001386942.1); c.732C>T, p.Asp244= (NM_021932.6).
Identifiers: ClinVar variation 4872619 (VCV004872619.2).